The following is an entry in ClinVar:

ClinVar aggregate classification (germline): Uncertain significance (1 of 4 stars; one submission).

Conditions:
Long QT syndrome 2 (LQT2). Identifiers: Orphanet 101016, Orphanet 768, MedGen C3150943, MONDO:0013367, OMIM 613688.

gnomAD v4.1: 21 of 1,564,898 alleles (0.0013%); highest among the groups gnomAD compares: Non-Finnish European, 0.0017%; no homozygotes.

Submission:

Victorian Clinical Genetics Services, Murdoch Childrens Research Institute
Classification: Uncertain significance for Long QT syndrome 2. Last evaluated: 2023-07-16. Review status: criteria provided, single submitter. Criteria: ACMG Guidelines, 2015. Collection method: clinical testing. Allele origin: germline. Inheritance: Autosomal dominant inheritance. Affected: yes.
Comment: Based on the classification scheme VCGS_Germline_v1.3.4, this variant is classified as VUS-3B. Following criteria are met: 0103 - Dominant negative and loss of function are known mechanisms of disease in this gene and are associated with long QT syndrome 2 (MIM#613688). Gain of function is also a known mechanism associated with short QT syndrome 1 (MIM#609620) (OMIM, PMIDs: 10753933, 21777565). (I) 0107 - This gene is associated with autosomal dominant disease. (I) 0112 - The condition associated with this gene has incomplete penetrance (PMID: 20301308). (I) 0200 - Variant is predicted to result in a missense amino acid change from valine to methionine. (I) 0219 - This variant is non-coding in alternative transcripts. This variant is present in NM_172057.2 (encodes ERG1b subunit) and NM_001204798.2, however it is located within an intronic region of NM_000238.4 (encodes ERG1a subunit) and NM_172056.2 (UCSC). It has been shown that ERG1a and ERG1b preferentially interact and co-assemble to form heterotetrameric ion channels in cardiac tissue and human stem cell-derived cardiomyocytes (PMID: 35600076). (I) 0251 - This variant is heterozygous. (I) 0301 - Variant is absent from gnomAD (both v2 and v3). (SP) 0309 - An alternative amino acid change at the same position has been observed in gnomAD (v3) (p.(Val27Leu) encoded by two different nucleotide changes, each has 1 heterozygote, 0 homozygotes). (I) 0502 - Missense variant with conflicting in silico predictions and uninformative conservation. (I) 0604 - Variant is not located in an established domain, motif, hotspot or informative constraint region. (I) 0710 - Another missense variant comparable to the one identified in this case has inconclusive previous evidence for pathogenicity. p.(Val27Leu) has been reported once as likely benign by a clinical testing laboratory, however no further information was provided about their classification (ClinVar). (I) 0807 - This variant has no previous evidence of pathogenicity. (I) 0905 - No published segregation evidence has been identified for this variant. (I) 1007 - No published functional evidence has been identified for this variant. (I) 1208 - Inheritance information for this variant is not currently available in this individual. (I) Legend: (SP) - Supporting pathogenic, (I) - Information, (SB) - Supporting benign

Literature cited by the submitters: PubMed 10753933; PubMed 20301308; PubMed 21777565; PubMed 35600076.

NM_000238.4(KCNH2):c.1128+1866G>A

Gene: KCNH2 (potassium voltage-gated channel subfamily H member 2; minus strand). Cytogenetic location: 7q36.1.
Variant type: single nucleotide variant.
Coding change: c.1128+1866G>A on transcript NM_000238.4 (MANE Select); 1866 bases into the intron after coding-DNA position 1128, G replaced by A.
Molecular consequence: intron variant. On other transcripts: missense variant (2), non-coding transcript variant (1).
Genome position (GRCh38, 1-based): chr7:150,955,425, C>T on the plus strand (G>A on the coding strand, the complement: KCNH2 is on the minus strand). VCF-style: chr7-150955425-C-T. GRCh37 (hg19) VCF-style: chr7-150652513-C-T.
Other names: c.79G>A, p.Val27Met (NM_001204798.2, NM_172057.3); c.840+1866G>A (NM_001406753.1, NM_001406756.1); c.1128+1866G>A (NM_172056.3); c.951+1866G>A (NM_001406755.1); c.828+1866G>A (NM_001406757.1); short protein forms V27M.
Identifiers: ClinVar variation 3254537 (VCV003254537.1), dbSNP rs764462112.